The following is an entry in ClinVar:

NM_000059.4(BRCA2):c.7940_7941insC (p.Ser2648fs)

Gene: BRCA2 (BRCA2 DNA repair associated; plus strand). Cytogenetic location: 13q13.1.
Variant type: Insertion.
Coding change: c.7940_7941insC on transcript NM_000059.4 (MANE Select); coding-DNA positions 7940 to 7941, C inserted.
Protein change: p.Ser2648fs; shifts the reading frame from serine 2648.
Molecular consequence: frameshift variant.
Genome position: GRCh38 VCF-style: chr13-32362657-T-TC. GRCh37 (hg19) VCF-style: chr13-32936794-T-TC.
Other names: 8168_8169insC; short protein forms S2648fs.
Identifiers: ClinVar variation 236284 (VCV000236284.3), dbSNP rs878853304, ClinGen allele CA10581593.

ClinVar aggregate classification (germline): Pathogenic. Review status: reviewed by expert panel (3 of 4 stars). 2 submissions from 2 submitters: Pathogenic (1). 1 of the submissions does not count toward it. Last evaluated 2016-04-22.

Conditions:
Breast-ovarian cancer, familial, susceptibility to, 2 (BROVCA2). Also called: BRCA2 Hereditary Breast and Ovarian Cancer. Identifiers: Orphanet 145, MedGen C2675520, MONDO:0012933, OMIM 612555. Disease mechanism: loss of function.

Submissions (2):

Evidence-based Network for the Interpretation of Germline Mutant Alleles (ENIGMA)
Classification: Pathogenic for Breast-ovarian cancer, familial, susceptibility to, 2. Last evaluated: 2016-04-22. Review status: reviewed by expert panel. Criteria: ENIGMA BRCA1/2 Classification Criteria (2015). Collection method: curation. Allele origin: germline.
Comment: Variant allele predicted to encode a truncated non-functional protein.

Consortium of Investigators of Modifiers of BRCA1/2 (CIMBA), c/o University of Cambridge
Classification: Pathogenic for Breast-ovarian cancer, familial, susceptibility to, 2. Last evaluated: 2015-10-02. Review status: criteria provided, single submitter. Criteria: CIMBA Mutation Classification guidelines May 2016. Collection method: clinical testing. Allele origin: germline. Not counted in ClinVar's aggregate classification.